The following is an entry in ClinVar:

ClinVar aggregate classification (germline): Pathogenic (1 of 4 stars; one submission).

Conditions:
Mitochondrial hypertrophic cardiomyopathy with lactic acidosis due to MTO1 deficiency. Also called: CARDIOMYOPATHY, INFANTILE HYPERTROPHIC MITOCHONDRIAL, AND LACTIC ACIDOSIS; Combined oxidative phosphorylation deficiency 10. Identifiers: Orphanet 314637, MedGen C4749921, MONDO:0013865, OMIM 614702.

Submission:

Labcorp Genetics (formerly Invitae), Labcorp
Classification: Pathogenic for Mitochondrial hypertrophic cardiomyopathy with lactic acidosis due to MTO1 deficiency. Last evaluated: 2025-07-30. Review status: criteria provided, single submitter. Criteria: Invitae Variant Classification Sherloc (09022015). Collection method: clinical testing. Allele origin: germline.
Comment: This sequence change creates a premature translational stop signal (p.Gln279*) in the MTO1 gene. It is expected to result in an absent or disrupted protein product. Loss-of-function variants in MTO1 are known to be pathogenic (PMID: 22608499, 25058219). This variant is not present in population databases (gnomAD no frequency). This variant has not been reported in the literature in individuals affected with MTO1-related conditions. Algorithms developed to predict the effect of sequence changes on RNA splicing suggest that this variant may disrupt the consensus splice site. For these reasons, this variant has been classified as Pathogenic.

Literature cited by the submitters: PubMed 22608499; PubMed 25058219.

NM_012123.4(MTO1):c.835C>T (p.Gln279Ter)

Gene: MTO1 (mitochondrial tRNA translation optimization 1; plus strand). Cytogenetic location: 6q13.
Variant type: single nucleotide variant.
Coding change: c.835C>T on transcript NM_012123.4 (MANE Select); coding-DNA position 835, C replaced by T.
Protein change: p.Gln279Ter; replaces glutamine 279 with a stop codon.
Molecular consequence: nonsense.
Genome position (GRCh38, 1-based): chr6:73,479,741, C>T. VCF-style: chr6-73479741-C-T. GRCh37 (hg19) VCF-style: chr6-74189464-C-T.
Other names: c.835C>T, p.Gln279Ter (NM_001123226.2, NM_133645.3); short protein forms Q279*.
Identifiers: ClinVar variation 4807735 (VCV004807735.1).
Genomic context (GRCh38, chr6:73,479,741, plus strand): 5'-AGAAACTAGTAGATAAGCAAATCAGTATTGCATCTGGTTACTGTTTTTTAGCCAGAAGAT[C>T]AGCTGCCATGTTACTTGACTCACACCAACCCTAGAGTGGATGAGATTGTCCTTAAGAACC-3'